The following is an entry in ClinVar:

NM_006648.4(WNK2):c.2891C>G (p.Pro964Arg)

Gene: WNK2 (WNK lysine deficient protein kinase 2; plus strand). Cytogenetic location: 9q22.31.
Variant type: single nucleotide variant.
Coding change: c.2891C>G on transcript NM_006648.4 (MANE Select); coding-DNA position 2891, C replaced by G.
Protein change: p.Pro964Arg; replaces proline 964 with arginine.
Molecular consequence: missense variant.
Genome position (GRCh38, 1-based): chr9:93,259,439, C>G. VCF-style: chr9-93259439-C-G. GRCh37 (hg19) VCF-style: chr9-96021721-C-G.
Other names: c.2891C>G, p.Pro964Arg (NM_001282394.3); short protein forms P964R.
Identifiers: ClinVar variation 4866532 (VCV004866532.1).
Genomic context (GRCh38, chr9:93,259,439, plus strand): 5'-TGCCTCCACAACCCACACTGCCCCCACAACCCGTGCTGCCCCCGCAACCCACGCTGCCCC[C>G]TCAACCTGTGTTGCCCCCGCAACCCACACGGCCCCCTCAACCTGTGCTGCCCCCGCAACC-3'
Protein context (NP_006639.3, residues 954-974): PVLPPQPTLP[Pro964Arg]QPVLPPQPTR

ClinVar aggregate classification (germline): Uncertain significance (1 of 4 stars; one submission).

gnomAD v4.1: 5 of 1,527,662 alleles (0.00033%); highest among the groups gnomAD compares: Non-Finnish European, 0.00044%; no homozygotes.

Submission:

Ambry Genetics
Classification: Uncertain significance. Last evaluated: 2026-03-21. Review status: criteria provided, single submitter. Criteria: Ambry Variant Classification Scheme 2023. Collection method: clinical testing. Allele origin: germline.
Comment: The p.P964R variant (also known as c.2891C>G), located in coding exon 11 of the WNK2 gene, results from a C to G substitution at nucleotide position 2891. The proline at codon 964 is replaced by arginine, an amino acid with dissimilar properties. This amino acid position is conserved. In addition, this alteration is predicted to be tolerated by in silico analysis. Based on the available evidence, the clinical significance of this variant remains unclear.